The following is an entry in ClinVar:

ClinVar aggregate classification (germline): Benign. Review status: criteria provided, multiple submitters, no conflicts (2 of 4 stars). 3 submissions from 3 submitters: Benign (3). Last evaluated 2018-09-06.

Conditions:
Isolated Nonsyndromic Congenital Heart Disease.

Allele frequency attached by ClinVar (database versions not stated): gnomAD 0.07399; gnomAD exomes 0.07426; TOPMed 0.08749; 1000 Genomes Project 30x 0.14631; 1000 Genomes Project 0.15315.
gnomAD v4.1: 12,224 of 152,190 alleles (8%); highest among the groups gnomAD compares: East Asian, 27%; 708 homozygotes.

Submissions (3):

GeneDx
Classification: Benign. Last evaluated: 2018-09-06. Review status: criteria provided, single submitter. Criteria: GeneDx Variant Classification Process June 2021. Collection method: clinical testing. Allele origin: germline. Affected: yes.

Illumina Laboratory Services, Illumina
Classification: Benign for Isolated Nonsyndromic Congenital Heart Disease. Last evaluated: 2018-01-13. Review status: criteria provided, single submitter. Criteria: ICSL Variant Classification Criteria 13 December 2019. Collection method: clinical testing. Allele origin: germline.
Comment: This variant was observed in the ICSL laboratory as part of a predisposition screen in an ostensibly healthy population. It had not been previously curated by ICSL or reported in the Human Gene Mutation Database (HGMD: prior to June 1st, 2018), and was therefore a candidate for classification through an automated scoring system. Utilizing variant allele frequency, disease prevalence and penetrance estimates, and inheritance mode, an automated score was calculated to assess if this variant is too frequent to cause the disease. Based on the score and internal cut-off values, a variant classified as benign is not then subjected to further curation. The score for this variant resulted in a classification of benign for this disease.

Breakthrough Genomics
Classification: Benign. Review status: criteria provided, single submitter. Criteria: ACMG Guidelines, 2015. Collection method: not provided. Allele origin: germline. Inheritance: Autosomal dominant inheritance. Affected: yes.

NM_000214.3(JAG1):c.-433G>A

Gene: JAG1 (jagged canonical Notch ligand 1; minus strand). Cytogenetic location: 20p12.2.
Variant type: single nucleotide variant.
Coding change: c.-433G>A on transcript NM_000214.3 (MANE Select); 433 bases upstream of the start codon, G replaced by A.
Molecular consequence: 5 prime UTR variant.
Genome position (GRCh38, 1-based): chr20:10,673,963, C>T on the plus strand (G>A on the coding strand, the complement: JAG1 is on the minus strand). VCF-style: chr20-10673963-C-T. GRCh37 (hg19) VCF-style: chr20-10654611-C-T.
Other names: c.-433G>A (LRG_1191t1).
Identifiers: ClinVar variation 337773 (VCV000337773.8), dbSNP rs73611723, ClinGen allele CA10643507.